The following is an entry in ClinVar:

NM_002181.4(IHH):c.702G>A (p.Glu234=)

Gene: IHH (Indian hedgehog signaling molecule; minus strand). Cytogenetic location: 2q35.
Variant type: single nucleotide variant.
Coding change: c.702G>A on transcript NM_002181.4 (MANE Select); coding-DNA position 702, G replaced by A.
Protein change: p.Glu234=; no amino-acid change (glutamic acid 234 retained).
Molecular consequence: synonymous variant.
Genome position (GRCh38, 1-based): chr2:219,055,741, C>T on the plus strand (G>A on the coding strand, the complement: IHH is on the minus strand). VCF-style: chr2-219055741-C-T. GRCh37 (hg19) VCF-style: chr2-219920463-C-T.
Identifiers: ClinVar variation 334442 (VCV000334442.11), dbSNP rs201051352, ClinGen allele CA2116628.

ClinVar aggregate classification (germline): Likely benign. Review status: criteria provided, multiple submitters, no conflicts (2 of 4 stars). 4 submissions from 4 submitters: Likely benign (4). Last evaluated 2025-02-25.

Conditions:
Brachydactyly type A1. Also called: FARABEE-TYPE BRACHYDACTYLY; SHORT STATURE WITH NONSPECIFIC SKELETAL ABNORMALITIES 2. Identifiers: Orphanet 93388, MedGen C1862151, MONDO:0007215, OMIM 112500, HP:0009371.

Allele frequency attached by ClinVar (database versions not stated): ExAC 0.00009; gnomAD 0.00012; TOPMed 0.00013; gnomAD exomes 0.00014; ESP Exome Variant Server 0.00031.
gnomAD v4.1: 223 of 1,613,722 alleles (0.014%); highest among the groups gnomAD compares: Non-Finnish European, 0.018%; no homozygotes.

Submissions (4):

Labcorp Genetics (formerly Invitae), Labcorp
Classification: Likely benign. Last evaluated: 2025-02-25. Review status: criteria provided, single submitter. Criteria: Invitae Variant Classification Sherloc (09022015). Collection method: clinical testing. Allele origin: germline.

Women's Health and Genetics/Laboratory Corporation of America, LabCorp
Classification: Likely benign. Last evaluated: 2025-02-04. Review status: criteria provided, single submitter. Criteria: LabCorp Variant Classification Summary - May 2015. Collection method: clinical testing. Allele origin: germline.

Blueprint Genetics
Classification: Likely benign. Last evaluated: 2024-10-17. Review status: criteria provided, single submitter. Criteria: ACMG Guidelines, 2015. Collection method: clinical testing. Allele origin: germline.

Illumina Laboratory Services, Illumina
Classification: Likely benign for Brachydactyly type A1. Last evaluated: 2018-01-12. Review status: criteria provided, single submitter. Criteria: ICSL Variant Classification Criteria 13 December 2019. Collection method: clinical testing. Allele origin: germline.
Comment: This variant was observed in the ICSL laboratory as part of a predisposition screen in an ostensibly healthy population. It had not been previously curated by ICSL or reported in the Human Gene Mutation Database (HGMD: prior to June 1st, 2018), and was therefore a candidate for classification through an automated scoring system. Utilizing variant allele frequency, disease prevalence and penetrance estimates, and inheritance mode, an automated score was calculated to assess if this variant is too frequent to cause the disease. Based on the score and internal cut-off values, a variant classified as likely benign is not then subjected to further curation. The score for this variant resulted in a classification of likely benign for this disease.